The following is an entry in ClinVar:

ClinVar aggregate classification (germline): Uncertain significance (1 of 4 stars; one submission).

Conditions:
Deficiency of aromatic-L-amino-acid decarboxylase. Also called: Aromatic amino acid decarboxylase deficiency; Aromatic L-Amino Acid Decarboxylase Deficiency; AADC DEFICIENCY; DDC DEFICIENCY; DOPA DECARBOXYLASE DEFICIENCY. Identifiers: Orphanet 35708, MedGen C1291564, MONDO:0012084, OMIM 608643.

Submission:

Labcorp Genetics (formerly Invitae), Labcorp
Classification: Uncertain significance for Deficiency of aromatic-L-amino-acid decarboxylase. Last evaluated: 2021-03-26. Review status: criteria provided, single submitter. Criteria: Invitae Variant Classification Sherloc (09022015). Collection method: clinical testing. Allele origin: germline.
Comment: Algorithms developed to predict the effect of missense changes on protein structure and function (SIFT, PolyPhen-2, Align-GVGD) all suggest that this variant is likely to be disruptive, but these predictions have not been confirmed by published functional studies and their clinical significance is uncertain. In summary, the available evidence is currently insufficient to determine the role of this variant in disease. Therefore, it has been classified as a Variant of Uncertain Significance. This variant has not been reported in the literature in individuals with DDC-related conditions. This variant is not present in population databases (ExAC no frequency). This sequence change replaces glutamine with glutamic acid at codon 350 of the DDC protein (p.Gln350Glu). The glutamine residue is highly conserved and there is a small physicochemical difference between glutamine and glutamic acid.

NM_001082971.2(DDC):c.1048C>G (p.Gln350Glu)

Gene: DDC (dopa decarboxylase; minus strand). Cytogenetic location: 7p12.2.
Variant type: single nucleotide variant.
Coding change: c.1048C>G on transcript NM_001082971.2 (MANE Select); coding-DNA position 1048, C replaced by G.
Protein change: p.Gln350Glu; replaces glutamine 350 with glutamic acid.
Molecular consequence: missense variant.
Genome position (GRCh38, 1-based): chr7:50,470,165, G>C on the plus strand (C>G on the coding strand, the complement: DDC is on the minus strand). VCF-style: chr7-50470165-G-C. GRCh37 (hg19) VCF-style: chr7-50537863-G-C.
Other names: c.1048C>G, p.Gln350Glu (NM_000790.4); c.934C>G, p.Gln312Glu (NM_001242886.2); c.904C>G, p.Gln302Glu (NM_001242887.2); c.814C>G, p.Gln272Glu (NM_001242888.2); c.769C>G, p.Gln257Glu (NM_001242889.2); short protein forms Q302E, Q312E, Q350E, Q257E, Q272E.
Identifiers: ClinVar variation 1382059 (VCV001382059.8), dbSNP rs2153534357, ClinGen allele CA367533765.
Genomic context (GRCh38, chr7:50,470,165, plus strand): 5'-CATACATCCTAAATACAAACCACATTTTCAAAGAGCGAAATCTTCTGCCCAGTGGTATCT[G>C]CCAATGCTGAAATGAAACATGAAACAGACCATCAGTGAGGAAGATATTAAAAGCTGGCTT-3'
Protein context (NP_001076440.2, residues 340-360): SGLITDYRHW[Gln350Glu]IPLGRRFRSL